The following is an entry in ClinVar:

ClinVar aggregate classification (germline): Uncertain significance (1 of 4 stars; one submission).

Conditions:
Neuronopathy, distal hereditary motor, type 7A. Also called: Neuronopathy, distal hereditary motor, type viia; NEURONOPATHY, DISTAL HEREDITARY MOTOR, HARDING TYPE VIIA; NEUROPATHY, DISTAL HEREDITARY MOTOR, HARDING TYPE VIIA; Neuronopathy, distal hereditary motor, autosomal dominant 7; HARPER-YOUNG MYOPATHY; HMN VIIA. Identifiers: Orphanet 139589, MedGen C1834703, MONDO:0008024, OMIM 158580.
Congenital myasthenic syndrome 20. Also called: Myasthenic syndrome, congenital, 20, presynaptic. Identifiers: MedGen C4310694, MONDO:0014939, OMIM 617143.

Allele frequency attached by ClinVar (database versions not stated): TOPMed 0.00015; gnomAD 0.00019 and 0.00020.

Submission:

Labcorp Genetics (formerly Invitae), Labcorp
Classification: Uncertain significance for Neuronopathy, distal hereditary motor, type 7A; Congenital myasthenic syndrome 20. Last evaluated: 2024-10-05. Review status: criteria provided, single submitter. Criteria: Invitae Variant Classification Sherloc (09022015). Collection method: clinical testing. Allele origin: germline.
Comment: This sequence change replaces glutamine, which is neutral and polar, with lysine, which is basic and polar, at codon 549 of the SLC5A7 protein (p.Gln549Lys). This variant is present in population databases (no rsID available, gnomAD 0.06%). This variant has not been reported in the literature in individuals affected with SLC5A7-related conditions. ClinVar contains an entry for this variant (Variation ID: 1509928). An algorithm developed to predict the effect of missense changes on protein structure and function (PolyPhen-2) suggests that this variant is likely to be tolerated. In summary, the available evidence is currently insufficient to determine the role of this variant in disease. Therefore, it has been classified as a Variant of Uncertain Significance.

NM_021815.5(SLC5A7):c.1645C>A (p.Gln549Lys)

Gene: SLC5A7 (solute carrier family 5 member 7; plus strand). Cytogenetic location: 2q12.3.
Variant type: single nucleotide variant.
Coding change: c.1645C>A on transcript NM_021815.5 (MANE Select); coding-DNA position 1645, C replaced by A.
Protein change: p.Gln549Lys; replaces glutamine 549 with lysine.
Molecular consequence: missense variant.
Genome position (GRCh38, 1-based): chr2:108,010,763, C>A. VCF-style: chr2-108010763-C-A. GRCh37 (hg19) VCF-style: chr2-108627219-C-A.
Other names: c.1645C>A, p.Gln549Lys (NM_001305005.3); c.1330C>A, p.Gln444Lys (NM_001305006.3); c.904C>A, p.Gln302Lys (NM_001305007.3); short protein forms Q444K, Q302K, Q549K.
Identifiers: ClinVar variation 1509928 (VCV001509928.8), dbSNP rs1280034815, ClinGen allele CA348115035.
Genomic context (GRCh38, chr2:108,010,763, plus strand): 5'-ACAATTCTTGTCAAAAATGAAAATATTAAATTAGATGAACTTGCACTTGTGAAGCCACGA[C>A]AGAGCATGACCCTCAGCTCAACTTTCACCAATAAAGAGGCCTTCCTTGATGTTGATTCCA-3'
Protein context (NP_068587.1, residues 539-559): LDELALVKPR[Gln549Lys]SMTLSSTFTN